The following is an entry in ClinVar:

NC_000016.10:g.(?_23603449)_(23641167_?)del

Gene: PALB2 (partner and localizer of BRCA2; minus strand). Cytogenetic location: 16p12.2.
Variant type: Deletion.
Identifiers: ClinVar variation 831455 (VCV000831455.2).

ClinVar aggregate classification (germline): Pathogenic (1 of 4 stars; one submission).

Conditions:
Familial cancer of breast. Also called: BREAST CANCER, FAMILIAL; Hereditary breast cancer; hereditary breast carcinoma. Identifiers: Orphanet 227535, MedGen C0346153, MONDO:0016419, OMIM 114480. Disease mechanism: loss of function.

Submission:

Labcorp Genetics (formerly Invitae), Labcorp
Classification: Pathogenic for Hereditary Breast Carcinoma. Last evaluated: 2019-05-30. Review status: criteria provided, single submitter. Criteria: Invitae Variant Classification Sherloc (09022015). Collection method: clinical testing. Allele origin: germline.
Comment: A gross deletion of the genomic region encompassing the full coding sequence of the PALB2 gene has been identified. The boundaries of this event are unknown as the deletion extends beyond the assayed region for this gene and therefore may encompass additional genes. This variant has not been reported in the literature in individuals with PALB2-related conditions. Loss-of-function variants in PALB2 are known to be pathogenic (PMID: 17200668, 24136930, 25099575). For these reasons, this variant has been classified as Pathogenic.